The following is an entry in ClinVar:

NM_133459.4(CCBE1):c.352C>T (p.Arg118Ter)

Gene: CCBE1 (collagen and calcium binding EGF domains 1; minus strand). Cytogenetic location: 18q21.32.
Variant type: single nucleotide variant.
Coding change: c.352C>T on transcript NM_133459.4 (MANE Select); coding-DNA position 352, C replaced by T.
Protein change: p.Arg118Ter; replaces arginine 118 with a stop codon.
Molecular consequence: nonsense.
Genome position (GRCh38, 1-based): chr18:59,469,521, G>A on the plus strand (C>T on the coding strand, the complement: CCBE1 is on the minus strand). VCF-style: chr18-59469521-G-A. GRCh37 (hg19) VCF-style: chr18-57136753-G-A.
Other names: short protein forms R118*.
Identifiers: ClinVar variation 4753607 (VCV004753607.2).

ClinVar aggregate classification (germline): Pathogenic/Likely pathogenic. Review status: criteria provided, multiple submitters, no conflicts (2 of 4 stars). 2 submissions from 2 submitters: Pathogenic (1); Likely pathogenic (1). Last evaluated 2025-08-13.

Conditions:
CCBE1-related disorder. Also called: CCBE1-related condition.

gnomAD v4.1: 16 of 1,614,096 alleles (0.00099%); highest among the groups gnomAD compares: South Asian, 0.0011%; no homozygotes.

Submissions (2):

Labcorp Genetics (formerly Invitae), Labcorp
Classification: Pathogenic. Last evaluated: 2025-08-13. Review status: criteria provided, single submitter. Criteria: Invitae Variant Classification Sherloc (09022015). Collection method: clinical testing. Allele origin: germline.
Comment: This sequence change creates a premature translational stop signal (p.Arg118*) in the CCBE1 gene. It is expected to result in an absent or disrupted protein product. Loss-of-function variants in CCBE1 are known to be pathogenic (PMID: 19935664, 21778431, 26686525). This variant is present in population databases (rs765153557, gnomAD 0.004%). This variant has not been reported in the literature in individuals affected with CCBE1-related conditions. For these reasons, this variant has been classified as Pathogenic.

Blueprint Genetics
Classification: Likely pathogenic for CCBE1-related disorders. Last evaluated: 2024-10-10. Review status: criteria provided, single submitter. Criteria: ACMG Guidelines, 2015. Collection method: clinical testing. Allele origin: germline. Affected: yes. Observed: 1 variant allele.

Literature cited by the submitters: PubMed 19935664 (cited by Labcorp Genetics (formerly Invitae), Labcorp); PubMed 21778431 (cited by Labcorp Genetics (formerly Invitae), Labcorp); PubMed 26686525 (cited by Labcorp Genetics (formerly Invitae), Labcorp).